The following is an entry in ClinVar:

NM_001271.4(CHD2):c.1946T>G (p.Leu649Arg)

Gene: CHD2 (chromodomain helicase DNA binding protein 2; plus strand). Cytogenetic location: 15q26.1.
Variant type: single nucleotide variant.
Coding change: c.1946T>G on transcript NM_001271.4 (MANE Select); coding-DNA position 1946, T replaced by G.
Protein change: p.Leu649Arg; replaces leucine 649 with arginine.
Molecular consequence: missense variant.
Genome position (GRCh38, 1-based): chr15:92,956,595, T>G. VCF-style: chr15-92956595-T-G. GRCh37 (hg19) VCF-style: chr15-93499825-T-G.
Other names: short protein forms L649R.
Identifiers: ClinVar variation 4802433 (VCV004802433.1).

ClinVar aggregate classification (germline): Uncertain significance (1 of 4 stars; one submission).

Conditions:
Developmental and epileptic encephalopathy 94 (DEE94). Also called: Epileptic encephalopathy, childhood-onset; CHD2-Related Neurodevelopmental Disorders. Identifiers: Orphanet 1942, Orphanet 2382, MedGen C3809278, MONDO:0014150, OMIM 615369.

Submission:

Labcorp Genetics (formerly Invitae), Labcorp
Classification: Uncertain significance for Developmental and epileptic encephalopathy 94. Last evaluated: 2025-08-03. Review status: criteria provided, single submitter. Criteria: Invitae Variant Classification Sherloc (09022015). Collection method: clinical testing. Allele origin: germline.
Comment: This sequence change replaces leucine, which is neutral and non-polar, with arginine, which is basic and polar, at codon 649 of the CHD2 protein (p.Leu649Arg). This variant is not present in population databases (gnomAD no frequency). This variant has not been reported in the literature in individuals affected with CHD2-related conditions. Invitae Evidence Modeling of protein sequence and biophysical properties (such as structural, functional, and spatial information, amino acid conservation, physicochemical variation, residue mobility, and thermodynamic stability) indicates that this missense variant is expected to disrupt CHD2 protein function with a positive predictive value of 95%. In summary, the available evidence is currently insufficient to determine the role of this variant in disease. Therefore, it has been classified as a Variant of Uncertain Significance.